The following is an entry in ClinVar:

NM_000152.5(GAA):c.2800-2A>G

Gene: GAA (alpha glucosidase; plus strand). Cytogenetic location: 17q25.3.
Variant type: single nucleotide variant.
Coding change: c.2800-2A>G on transcript NM_000152.5 (MANE Select); the canonical splice acceptor site of the intron before coding-DNA position 2800, A replaced by G.
Molecular consequence: splice acceptor variant.
Genome position (GRCh38, 1-based): chr17:80,119,270, A>G. VCF-style: chr17-80119270-A-G. GRCh37 (hg19) VCF-style: chr17-78093069-A-G.
Other names: c.2800-2A>G (NM_001406741.1, NM_001406742.1, NM_001079803.3 and 1 more transcripts).
Identifiers: ClinVar variation 1307982 (VCV001307982.2), dbSNP rs2143938217, ClinGen allele CA401327614.

ClinVar aggregate classification (germline): Uncertain significance (1 of 4 stars; one submission).

Submission:

GeneDx
Classification: Uncertain significance. Last evaluated: 2019-08-14. Review status: criteria provided, single submitter. Criteria: GeneDx Variant Classification Process June 2021. Collection method: clinical testing. Allele origin: germline. Affected: yes.
Comment: Not observed in large population cohorts (Lek et al., 2016); Has not been previously published as pathogenic or benign to our knowledge; In silico analysis, which includes splice predictors and evolutionary conservation, suggests this variant may impact gene splicing. In the absence of RNA/functional studies, the actual effect of this sequence change is unknown.